The following is an entry in ClinVar:

NM_001130987.2(DYSF):c.1511A>G (p.Asn504Ser)

Gene: DYSF (dysferlin; plus strand). Cytogenetic location: 2p13.2.
Variant type: single nucleotide variant.
Coding change: c.1511A>G on transcript NM_001130987.2 (MANE Select); coding-DNA position 1511, A replaced by G.
Protein change: p.Asn504Ser; replaces asparagine 504 with serine.
Molecular consequence: missense variant.
Genome position (GRCh38, 1-based): chr2:71,539,174, A>G. VCF-style: chr2-71539174-A-G. GRCh37 (hg19) VCF-style: chr2-71766304-A-G.
Other names: c.1418A>G, p.Asn473Ser (NM_001130455.2, NM_001130983.2, NM_001130984.2 and 1 more transcripts); c.1415A>G, p.Asn472Ser (NM_001130976.2, NM_001130977.2, NM_001130978.2 and 1 more transcripts); c.1508A>G, p.Asn503Ser (NM_001130979.2, NM_001130980.2, NM_001130981.2); c.1511A>G, p.Asn504Ser (NM_001130982.2, NM_001130985.2); short protein forms N504S, N472S, N503S, N473S.
Identifiers: ClinVar variation 336953 (VCV000336953.10), dbSNP rs748826870, ClinGen allele CA1705797.

ClinVar aggregate classification (germline): Uncertain significance. Review status: criteria provided, multiple submitters, no conflicts (2 of 4 stars). 2 submissions from 2 submitters: Uncertain significance (2). Last evaluated 2022-08-09.

Conditions:
Neuromuscular disease caused by qualitative or quantitative defects of dysferlin. Also called: Dysferlinopathy; Qualitative or quantitative defects of dysferlin. Identifiers: Orphanet 207073, MedGen C2931687, MONDO:0016145.

Allele frequency attached by ClinVar (database versions not stated): gnomAD exomes below 0.00001 and 0.00001; TOPMed below 0.00001; ExAC 0.00001.
gnomAD v4.1: 5 of 1,614,050 alleles (0.00031%); highest among the groups gnomAD compares: Admixed American, 0.0017%; no homozygotes.

Submissions (2):

Labcorp Genetics (formerly Invitae), Labcorp
Classification: Uncertain significance for Neuromuscular disease caused by qualitative or quantitative defects of dysferlin. Last evaluated: 2022-08-09. Review status: criteria provided, single submitter. Criteria: Invitae Variant Classification Sherloc (09022015). Collection method: clinical testing. Allele origin: germline.
Comment: This sequence change replaces asparagine, which is neutral and polar, with serine, which is neutral and polar, at codon 472 of the DYSF protein (p.Asn472Ser). This variant is present in population databases (rs748826870, gnomAD 0.004%). This variant has not been reported in the literature in individuals affected with DYSF-related conditions. ClinVar contains an entry for this variant (Variation ID: 336953). Advanced modeling of protein sequence and biophysical properties (such as structural, functional, and spatial information, amino acid conservation, physicochemical variation, residue mobility, and thermodynamic stability) performed at Invitae indicates that this missense variant is not expected to disrupt DYSF protein function. Algorithms developed to predict the effect of sequence changes on RNA splicing suggest that this variant may create or strengthen a splice site. In summary, the available evidence is currently insufficient to determine the role of this variant in disease. Therefore, it has been classified as a Variant of Uncertain Significance.

Illumina Laboratory Services, Illumina
Classification: Uncertain significance for Qualitative or quantitative defects of dysferlin. Last evaluated: 2018-01-12. Review status: criteria provided, single submitter. Criteria: ICSL Variant Classification Criteria 13 December 2019. Collection method: clinical testing. Allele origin: germline.